The following is an entry in ClinVar:

NM_199420.4(POLQ):c.6523A>G (p.Arg2175Gly)

Gene: POLQ (DNA polymerase theta; minus strand). Cytogenetic location: 3q13.33.
Variant type: single nucleotide variant.
Coding change: c.6523A>G on transcript NM_199420.4 (MANE Select); coding-DNA position 6523, A replaced by G.
Protein change: p.Arg2175Gly; replaces arginine 2175 with glycine.
Molecular consequence: missense variant.
Genome position (GRCh38, 1-based): chr3:121,473,370, T>C on the plus strand (A>G on the coding strand, the complement: POLQ is on the minus strand). VCF-style: chr3-121473370-T-C. GRCh37 (hg19) VCF-style: chr3-121192217-T-C.
Other names: short protein forms R2175G.
Identifiers: ClinVar variation 3308541 (VCV003308541.1).

ClinVar aggregate classification (germline): Uncertain significance (1 of 4 stars; one submission).

Submission:

Ambry Genetics
Classification: Uncertain significance. Last evaluated: 2024-03-20. Review status: criteria provided, single submitter. Criteria: Ambry Variant Classification Scheme 2023. Collection method: clinical testing. Allele origin: germline.
Comment: The p.R2175G variant (also known as c.6523A>G), located in coding exon 21 of the POLQ gene, results from an A to G substitution at nucleotide position 6523. The arginine at codon 2175 is replaced by glycine, an amino acid with dissimilar properties. This amino acid position is conserved. In addition, this alteration is predicted to be tolerated by in silico analysis. Based on the available evidence, the clinical significance of this alteration remains unclear.